The following is an entry in ClinVar:

NM_020919.4(ALS2):c.*1004G>A

Gene: ALS2 (alsin Rho guanine nucleotide exchange factor ALS2; minus strand). Cytogenetic location: 2q33.1.
Variant type: single nucleotide variant.
Coding change: c.*1004G>A on transcript NM_020919.4 (MANE Select); 1004 bases downstream of the stop codon, G replaced by A.
Molecular consequence: 3 prime UTR variant.
Genome position (GRCh38, 1-based): chr2:201,700,847, C>T on the plus strand (G>A on the coding strand, the complement: ALS2 is on the minus strand). VCF-style: chr2-201700847-C-T. GRCh37 (hg19) VCF-style: chr2-202565570-C-T.
Identifiers: ClinVar variation 333574 (VCV000333574.6), dbSNP rs11300, ClinGen allele CA10612034.

ClinVar aggregate classification (germline): Benign. Review status: criteria provided, multiple submitters, no conflicts (2 of 4 stars). 3 submissions from 2 submitters: Benign (3). Last evaluated 2018-01-12.

Conditions:
ALS2-related disorder. Also called: ALS2-related condition; ALS2-related disorders; ALS2-Related Spectrum Disorders. Identifiers: MedGen CN169291.
Amyotrophic lateral sclerosis type 2, juvenile. Also called: ALS, JUVENILE; Amyotrophic lateral sclerosis type 2. Identifiers: Orphanet 300605, MedGen C1859807, MONDO:0008780, OMIM 205100.

Allele frequency attached by ClinVar (database versions not stated): gnomAD exomes 0.06395; TOPMed 0.07391; gnomAD 0.07577 and 0.07867; 1000 Genomes Project 30x 0.09900; 1000 Genomes Project 0.10244.
gnomAD v4.1: 12,057 of 152,374 alleles (7.9%); highest among the groups gnomAD compares: East Asian, 24%; 567 homozygotes.

Submissions (3):

Illumina Laboratory Services, Illumina
Classification: Benign for ALS2-Related Disorders. Last evaluated: 2018-01-12. Review status: criteria provided, single submitter. Criteria: ICSL Variant Classification Criteria 13 December 2019. Collection method: clinical testing. Allele origin: germline.
Comment: This variant was observed in the ICSL laboratory as part of a predisposition screen in an ostensibly healthy population. It had not been previously curated by ICSL or reported in the Human Gene Mutation Database (HGMD: prior to June 1st, 2018), and was therefore a candidate for classification through an automated scoring system. Utilizing variant allele frequency, disease prevalence and penetrance estimates, and inheritance mode, an automated score was calculated to assess if this variant is too frequent to cause the disease. Based on the score and internal cut-off values, a variant classified as benign is not then subjected to further curation. The score for this variant resulted in a classification of benign for this disease.

Illumina Laboratory Services, Illumina
Classification: Benign for Amyotrophic lateral sclerosis type 2. Last evaluated: 2018-01-12. Review status: criteria provided, single submitter. Criteria: ICSL Variant Classification Criteria 13 December 2019. Collection method: clinical testing. Allele origin: germline.
Comment: the same text as in the submission from Illumina Laboratory Services, Illumina above.

Breakthrough Genomics
Classification: Benign. Review status: criteria provided, single submitter. Criteria: ACMG Guidelines, 2015. Collection method: not provided. Allele origin: germline. Inheritance: Autosomal recessive inheritance. Affected: yes.